The following is an entry in ClinVar:

NM_005559.4(LAMA1):c.1189del (p.Cys397fs)

Gene: LAMA1 (laminin subunit alpha 1; minus strand). Cytogenetic location: 18p11.31.
Variant type: Deletion.
Coding change: c.1189del on transcript NM_005559.4 (MANE Select); coding-DNA position 1189, one base deleted (T; older notation c.1189delT).
Protein change: p.Cys397fs; shifts the reading frame from cysteine 397.
Molecular consequence: frameshift variant.
Genome position (GRCh38, 1-based): chr18:7,042,217, A deleted on the plus strand (T on the coding strand, the reverse complement: LAMA1 is on the minus strand). VCF-style (leftmost placement, unchanged base first): chr18-7042216-CA-C. GRCh37 (hg19) VCF-style: chr18-7042215-CA-C.
Other names: c.1189delT (NM_005559.4); short protein forms C397fs.
Identifiers: ClinVar variation 3063621 (VCV003063621.1), dbSNP rs1568043236, ClinGen allele CA502473893.
Genomic context (GRCh38, chr18:7,042,216, plus strand): 5'-TCAGAATGGAGGTCATCCTTAATACAGACAGAACTGAGGGACCCCACAGGGTCACAATTA[CA>C]GGGGCGGCAAGGCTCATCCTCATAAGGAGACACCTGAAAGGCAGAGGTTGCCCTGGATTC-3'

ClinVar aggregate classification (germline): Pathogenic (1 of 4 stars; one submission).

Conditions:
Ataxia - intellectual disability - oculomotor apraxia - cerebellar cysts syndrome. Also called: Poretti-Boltshauser syndrome. Identifiers: Orphanet 370022, MedGen C4014821, MONDO:0014419, OMIM 615960.

Allele frequency attached by ClinVar (database versions not stated): gnomAD exomes below 0.00001.

Submission:

Women's Health and Genetics/Laboratory Corporation of America, LabCorp
Classification: Pathogenic for Ataxia - intellectual disability - oculomotor apraxia - cerebellar cysts syndrome. Last evaluated: 2024-01-22. Review status: criteria provided, single submitter. Criteria: LabCorp Variant Classification Summary - May 2015. Collection method: clinical testing. Allele origin: germline.
Comment: Variant summary: LAMA1 c.1189delT (p.Cys397ValfsX96) results in a premature termination codon, predicted to cause a truncation of the encoded protein or absence of the protein due to nonsense mediated decay, which are commonly known mechanisms for disease. The variant allele was found at a frequency of 4e-06 in 247872 control chromosomes. To our knowledge, no occurrence of c.1189delT in individuals affected with Ataxia-Intellectual Disability-Oculomotor Apraxia-Cerebellar Cysts Syndrome and no experimental evidence demonstrating its impact on protein function have been reported. No submitters have cited clinical-significance assessments for this variant to ClinVar. Based on the evidence outlined above, the variant was classified as pathogenic.